The following is an entry in ClinVar:

ClinVar aggregate classification (germline): Uncertain significance. Review status: criteria provided, multiple submitters, no conflicts (2 of 4 stars). 4 submissions from 4 submitters: Uncertain significance (4). Last evaluated 2025-02-19.

Conditions:
Lynch syndrome. Identifiers: Orphanet 144, MedGen C4552100, MONDO:0005835. Disease mechanism: loss of function.
Hereditary nonpolyposis colorectal neoplasms. Identifiers: MedGen C0009405, MeSH D003123.
Hereditary cancer-predisposing syndrome. Also called: Hereditary Cancer Syndrome; Neoplastic Syndromes, Hereditary; Tumor predisposition; Hereditary neoplastic syndrome. Identifiers: Orphanet 140162, MedGen C0027672, MeSH D009386, MONDO:0015356.

Allele frequency attached by ClinVar (database versions not stated): gnomAD exomes below 0.00001.
gnomAD v4.1: 1 of 1,613,962 alleles (0.000062%); highest among the groups gnomAD compares: Non-Finnish European, 0.000085%; no homozygotes.

Submissions (4):

Labcorp Genetics (formerly Invitae), Labcorp
Classification: Uncertain significance for Hereditary nonpolyposis colorectal neoplasms. Last evaluated: 2025-02-19. Review status: criteria provided, single submitter. Criteria: Invitae Variant Classification Sherloc (09022015). Collection method: clinical testing. Allele origin: germline.
Comment: This sequence change replaces proline, which is neutral and non-polar, with leucine, which is neutral and non-polar, at codon 816 of the MSH6 protein (p.Pro816Leu). This variant is not present in population databases (gnomAD no frequency). This variant has not been reported in the literature in individuals affected with MSH6-related conditions. ClinVar contains an entry for this variant (Variation ID: 489981). Invitae Evidence Modeling of protein sequence and biophysical properties (such as structural, functional, and spatial information, amino acid conservation, physicochemical variation, residue mobility, and thermodynamic stability) has been performed for this missense variant. However, the output from this modeling did not meet the statistical confidence thresholds required to predict the impact of this variant on MSH6 protein function. In summary, the available evidence is currently insufficient to determine the role of this variant in disease. Therefore, it has been classified as a Variant of Uncertain Significance.

Ambry Genetics
Classification: Uncertain significance for Hereditary cancer-predisposing syndrome. Last evaluated: 2024-09-08. Review status: criteria provided, single submitter. Criteria: Ambry Variant Classification Scheme 2023. Collection method: clinical testing. Allele origin: germline.
Comment: The p.P816L variant (also known as c.2447C>T), located in coding exon 4 of the MSH6 gene, results from a C to T substitution at nucleotide position 2447. The proline at codon 816 is replaced by leucine, an amino acid with similar properties. This amino acid position is conserved. In addition, this alteration is predicted to be deleterious by in silico analysis. Based on the available evidence, the clinical significance of this variant remains unclear.

Color Diagnostics, LLC DBA Color Health
Classification: Uncertain significance for Hereditary cancer-predisposing syndrome. Last evaluated: 2024-03-06. Review status: criteria provided, single submitter. Criteria: ACMG Guidelines, 2015. Collection method: clinical testing. Allele origin: germline.
Comment: This missense variant replaces proline with leucine at codon 816 of the MSH6 protein. Computational prediction suggests that this variant may have deleterious impact on protein structure and function (internally defined REVEL score threshold >= 0.7, PMID: 27666373). To our knowledge, functional studies have not been reported for this variant. This variant has not been reported in individuals affected with hereditary cancer in the literature. This variant has not been identified in the general population by the Genome Aggregation Database (gnomAD). The available evidence is insufficient to determine the role of this variant in disease conclusively. Therefore, this variant is classified as a Variant of Uncertain Significance.

All of Us Research Program, National Institutes of Health
Classification: Uncertain significance for Lynch syndrome. Last evaluated: 2023-03-28. Review status: criteria provided, single submitter. Criteria: ACMG Guidelines, 2015. Collection method: clinical testing. Allele origin: germline. Inheritance: Autosomal dominant inheritance. Observed: 3 variant alleles, 3 heterozygotes.
Comment: This missense variant replaces proline with leucine at codon 816 of the MSH6 protein. Computational prediction suggests that this variant may have deleterious impact on protein structure and function (internally defined REVEL score threshold >= 0.7, PMID: 27666373). To our knowledge, functional studies have not been reported for this variant. This variant has not been reported in individuals affected with hereditary cancer in the literature. This variant has not been identified in the general population by the Genome Aggregation Database (gnomAD). The available evidence is insufficient to determine the role of this variant in disease conclusively. Therefore, this variant is classified as a Variant of Uncertain Significance.

This study involves interpretation of variants in research participants for the purpose of population health screening. Participant phenotype was not available at the time of variant classification. Additional details can be found in publication PMID: 35346344, PMCID: PMC8962531

NM_000179.3(MSH6):c.2447C>T (p.Pro816Leu)

Gene: MSH6 (mutS homolog 6; plus strand). Cytogenetic location: 2p16.3.
Variant type: single nucleotide variant.
Coding change: c.2447C>T on transcript NM_000179.3 (MANE Select); coding-DNA position 2447, C replaced by T.
Protein change: p.Pro816Leu; replaces proline 816 with leucine.
Molecular consequence: missense variant.
Genome position (GRCh38, 1-based): chr2:47,800,430, C>T. VCF-style: chr2-47800430-C-T. GRCh37 (hg19) VCF-style: chr2-48027569-C-T.
Other names: c.2057C>T, p.Pro686Leu (NM_001281492.2); c.1541C>T, p.Pro514Leu (NM_001281493.2, NM_001281494.2); short protein forms P816L, P686L, P514L.
Identifiers: ClinVar variation 489981 (VCV000489981.14), dbSNP rs1553413804, ClinGen allele CA346754063.
Genomic context (GRCh38, chr2:47,800,430, plus strand): 5'-AAGACCTCATGGTTGTGCCTGACAAAATCTCCGAAGTTGTAGAGCTTCTAAAGAAGCTTC[C>T]AGATCTTGAGAGGCTACTCAGTAAAATTCATAATGTTGGGTCTCCCCTGAAGAGTCAGAA-3'
Protein context (NP_000170.1, residues 806-826): SEVVELLKKL[Pro816Leu]DLERLLSKIH